The following is an entry in ClinVar:

ClinVar aggregate classification (germline): Likely pathogenic (1 of 4 stars; one submission).

Allele frequency attached by ClinVar (database versions not stated): gnomAD exomes below 0.00001.
gnomAD v4.1: 1 of 1,551,692 alleles (0.000064%); highest among the groups gnomAD compares: Non-Finnish European, 0.000087%; no homozygotes.

Submission:

Labcorp Genetics (formerly Invitae), Labcorp
Classification: Likely pathogenic. Last evaluated: 2023-07-07. Review status: criteria provided, single submitter. Criteria: Invitae Variant Classification Sherloc (09022015). Collection method: clinical testing. Allele origin: germline.
Comment: This sequence change affects an acceptor splice site in intron 3 of the LOXHD1 gene. It is expected to disrupt RNA splicing. Variants that disrupt the donor or acceptor splice site typically lead to a loss of protein function (PMID: 16199547), and loss-of-function variants in LOXHD1 are known to be pathogenic (PMID: 19732867, 21465660, 25792669). This variant is not present in population databases (gnomAD no frequency). This variant has not been reported in the literature in individuals affected with LOXHD1-related conditions. ClinVar contains an entry for this variant (Variation ID: 840180). Algorithms developed to predict the effect of sequence changes on RNA splicing suggest that this variant may disrupt the consensus splice site. In summary, the currently available evidence indicates that the variant is pathogenic, but additional data are needed to prove that conclusively. Therefore, this variant has been classified as Likely Pathogenic.

Literature cited by the submitters: PubMed 16199547; PubMed 19732867; PubMed 21465660; PubMed 25792669.

NM_001384474.1(LOXHD1):c.327-2A>G

Gene: LOXHD1 (lipoxygenase homology PLAT domains 1; minus strand). Cytogenetic location: 18q21.1.
Variant type: single nucleotide variant.
Coding change: c.327-2A>G on transcript NM_001384474.1 (MANE Select); the canonical splice acceptor site of the intron before coding-DNA position 327, A replaced by G.
Molecular consequence: splice acceptor variant.
Genome position (GRCh38, 1-based): chr18:46,639,802, T>C on the plus strand (A>G on the coding strand, the complement: LOXHD1 is on the minus strand). VCF-style: chr18-46639802-T-C. GRCh37 (hg19) VCF-style: chr18-44219765-T-C.
Other names: c.327-2A>G (NM_144612.7).
Identifiers: ClinVar variation 840180 (VCV000840180.8), dbSNP rs2038940533, ClinGen allele CA402369992.